The following is an entry in ClinVar:

NM_001292063.2(OTOG):c.5252G>A (p.Arg1751His)

Gene: OTOG (otogelin; plus strand). Cytogenetic location: 11p15.1.
Variant type: single nucleotide variant.
Coding change: c.5252G>A on transcript NM_001292063.2 (MANE Select); coding-DNA position 5252, G replaced by A.
Protein change: p.Arg1751His; replaces arginine 1751 with histidine.
Molecular consequence: missense variant.
Genome position (GRCh38, 1-based): chr11:17,610,552, G>A. VCF-style: chr11-17610552-G-A. GRCh37 (hg19) VCF-style: chr11-17632099-G-A.
Other names: c.5288G>A, p.Arg1763His (NM_001277269.2); short protein forms R1763H, R1751H.
Identifiers: ClinVar variation 227784 (VCV000227784.37), dbSNP rs185432248, ClinGen allele CA5905905.

ClinVar aggregate classification (germline): Conflicting classifications of pathogenicity. Review status: criteria provided, conflicting classifications (1 of 4 stars). 6 submissions from 6 submitters: Uncertain significance (1); Likely benign (4). 1 of the submissions does not count toward it. Last evaluated 2026-01-01.

Conditions:
OTOG-related disorder. Also called: OTOG-related condition.

Allele frequency attached by ClinVar (database versions not stated): ExAC 0.00045; 1000 Genomes Project 30x 0.00078; 1000 Genomes Project 0.00080; gnomAD exomes 0.00113; gnomAD 0.00119 and 0.00122; TOPMed 0.00122.
gnomAD v4.1: 3,040 of 1,549,836 alleles (0.2%); highest among the groups gnomAD compares: Non-Finnish European, 0.24%; 5 homozygotes.

Submissions (6):

CeGaT Center for Human Genetics Tuebingen
Classification: Likely benign. Last evaluated: 2026-01-01. Review status: criteria provided, single submitter. Criteria: CeGaT Center For Human Genetics Tuebingen Variant Classification Criteria Version 2. Collection method: clinical testing. Allele origin: germline. Affected: yes. Observed: 3 variant alleles.
Comment: OTOG: BP4

Blueprint Genetics
Classification: Likely benign. Last evaluated: 2024-11-25. Review status: criteria provided, single submitter. Criteria: ACMG Guidelines, 2015. Collection method: clinical testing. Allele origin: germline.

Labcorp Genetics (formerly Invitae), Labcorp
Classification: Uncertain significance. Last evaluated: 2022-07-19. Review status: criteria provided, single submitter. Criteria: Invitae Variant Classification Sherloc (09022015). Collection method: clinical testing. Allele origin: germline.
Comment: This sequence change replaces arginine, which is basic and polar, with histidine, which is basic and polar, at codon 1763 of the OTOG protein (p.Arg1763His). This variant is present in population databases (rs185432248, gnomAD 0.2%), and has an allele count higher than expected for a pathogenic variant. This variant has not been reported in the literature in individuals affected with OTOG-related conditions. ClinVar contains an entry for this variant (Variation ID: 227784). Algorithms developed to predict the effect of missense changes on protein structure and function output the following: SIFT: "Tolerated"; PolyPhen-2: "Benign"; Align-GVGD: "Class C0". The histidine amino acid residue is found in multiple mammalian species, which suggests that this missense change does not adversely affect protein function. In summary, the available evidence is currently insufficient to determine the role of this variant in disease. Therefore, it has been classified as a Variant of Uncertain Significance.

GeneDx
Classification: Likely benign. Last evaluated: 2021-05-20. Review status: criteria provided, single submitter. Criteria: GeneDx Variant Classification Process June 2021. Collection method: clinical testing. Allele origin: germline. Affected: yes.

Laboratory for Molecular Medicine, Mass General Brigham Personalized Medicine
Classification: Likely benign. Last evaluated: 2017-07-25. Review status: criteria provided, single submitter. Criteria: LMM Criteria. Collection method: clinical testing. Allele origin: germline. Observed: 3 variant alleles.
Comment: p.Arg1763His in exon 35 of OTOG: This variant is not expected to have clinical significance due to a lack of conservation across species, including mammals. Of note, >20 mammals have a Histidine (His) at this position despite high nearby a mino acid conservation. In addition, computational prediction tools do not sugge st a high likelihood of impact to the protein. It has been identified in 0.16% ( 105/66772) of European chromosomes by the Genome Aggregation Database (gnomAD; dbSNP rs185432248).

PreventionGenetics, part of Exact Sciences
Classification: Likely benign for OTOG-related condition. Last evaluated: 2023-08-01. Review status: no assertion criteria provided. Collection method: clinical testing. Allele origin: germline. Not counted in ClinVar's aggregate classification.
Comment: This variant is classified as likely benign based on ACMG/AMP sequence variant interpretation guidelines (Richards et al. 2015 PMID: 25741868, with internal and published modifications).